The following is an entry in ClinVar:

NM_024675.4(PALB2):c.968C>A (p.Ala323Glu)

Gene: PALB2 (partner and localizer of BRCA2; minus strand). Cytogenetic location: 16p12.2.
Variant type: single nucleotide variant.
Coding change: c.968C>A on transcript NM_024675.4 (MANE Select); coding-DNA position 968, C replaced by A.
Protein change: p.Ala323Glu; replaces alanine 323 with glutamic acid.
Molecular consequence: missense variant.
Genome position (GRCh38, 1-based): chr16:23,635,578, G>T on the plus strand (C>A on the coding strand, the complement: PALB2 is on the minus strand). VCF-style: chr16-23635578-G-T. GRCh37 (hg19) VCF-style: chr16-23646899-G-T.
Other names: p.A323E:GCA>GAA; short protein forms A323E.
Identifiers: ClinVar variation 182760 (VCV000182760.22), dbSNP rs730881882, ClinGen allele CA299707.

ClinVar aggregate classification (germline): Uncertain significance. Review status: criteria provided, multiple submitters, no conflicts (2 of 4 stars). 8 submissions from 8 submitters: Uncertain significance (7). 1 of the submissions does not count toward it. Last evaluated 2026-04-25.

Conditions:
PALB2-related disorder. Also called: PALB2-related condition; PALB2-related disorders.
Familial cancer of breast. Also called: Hereditary breast cancer; BREAST CANCER, FAMILIAL; hereditary breast carcinoma. Identifiers: Orphanet 227535, MedGen C0346153, MONDO:0016419, OMIM 114480. Disease mechanism: loss of function.
Pancreatic cancer, susceptibility to, 3. Identifiers: Orphanet 1333, MedGen C3150547, MONDO:0013236, OMIM 613348.
Fanconi anemia complementation group N. Also called: PALB2-Related Fanconi Anemia. Identifiers: Orphanet 84, MedGen C1835817, MONDO:0012565, OMIM 610832. Disease mechanism: loss of function.
Hereditary cancer-predisposing syndrome. Also called: Neoplastic Syndromes, Hereditary; Tumor predisposition; Hereditary neoplastic syndrome; Hereditary Cancer Syndrome. Identifiers: Orphanet 140162, MedGen C0027672, MeSH D009386, MONDO:0015356.

Allele frequency attached by ClinVar (database versions not stated): gnomAD exomes below 0.00001; ExAC 0.00001; gnomAD 0.00001; TOPMed 0.00002.

Submissions (8):

PreventionGenetics, part of Exact Sciences
Classification: Uncertain significance for PALB2-related condition. Last evaluated: 2026-04-25. Review status: criteria provided, single submitter. Criteria: ACMG Guidelines, 2015. Collection method: clinical testing. Allele origin: germline.
Comment: The PALB2 c.968C>A variant is predicted to result in the amino acid substitution p.Ala323Glu. To our knowledge, this variant has not been reported in the literature. This variant is reported in 0.0029% of alleles in individuals of Latino descent in gnomAD. This variant is interpreted as uncertain in ClinVar (Variation ID: 182760). At this time, the clinical significance of this variant is uncertain due to the absence of conclusive functional and genetic evidence.

Labcorp Genetics (formerly Invitae), Labcorp
Classification: Uncertain significance for Familial cancer of breast. Last evaluated: 2025-10-23. Review status: criteria provided, single submitter. Criteria: Invitae Variant Classification Sherloc (09022015). Collection method: clinical testing. Allele origin: germline.
Comment: This sequence change replaces alanine, which is neutral and non-polar, with glutamic acid, which is acidic and polar, at codon 323 of the PALB2 protein (p.Ala323Glu). This variant is present in population databases (rs730881882, gnomAD 0.003%). This variant has not been reported in the literature in individuals affected with PALB2-related conditions. ClinVar contains an entry for this variant (Variation ID: 182760). Invitae Evidence Modeling of protein sequence and biophysical properties (such as structural, functional, and spatial information, amino acid conservation, physicochemical variation, residue mobility, and thermodynamic stability) indicates that this missense variant is not expected to disrupt PALB2 protein function with a negative predictive value of 80%. In summary, the available evidence is currently insufficient to determine the role of this variant in disease. Therefore, it has been classified as a Variant of Uncertain Significance.

Ambry Genetics
Classification: Uncertain significance for Hereditary cancer-predisposing syndrome. Last evaluated: 2025-09-04. Review status: criteria provided, single submitter. Criteria: Ambry Variant Classification Scheme 2023. Collection method: clinical testing. Allele origin: germline.
Comment: The p.A323E variant (also known as c.968C>A), located in coding exon 4 of the PALB2 gene, results from a C to A substitution at nucleotide position 968. The alanine at codon 323 is replaced by glutamic acid, an amino acid with dissimilar properties. This amino acid position is not well conserved in available vertebrate species. In addition, this alteration is predicted to be tolerated by in silico analysis. Since supporting evidence is limited at this time, the clinical significance of this alteration remains unclear.

Myriad Genetics, Inc.
Classification: Uncertain significance for Familial cancer of breast. Last evaluated: 2023-03-30. Review status: criteria provided, single submitter. Criteria: Myriad Autosomal Dominant, Autosomal Recessive and X-Linked Classification Criteria (2023). Collection method: clinical testing. Allele origin: unknown.
Comment: This variant is classified as a variant of uncertain significance as there is insufficient evidence to determine its impact on protein function and/or cancer risk.

Division of Medical Genetics, University of Washington
Classification: Uncertain significance for Familial cancer of breast. Last evaluated: 2019-09-24. Review status: criteria provided, single submitter. Criteria: ACMG Guidelines, 2015. Collection method: clinical testing. Allele origin: germline. Affected: no. Study: CSER_CHARM.
Comment: To our knowledge, this sequence variant has not been previously reported in the literature. This variant has an overall allele frequency of 0.000004 in the Broad Institute gnomAD Browser. In silico analyses indicate this is an evolutionarily conserved residue. Thus, it is unknown at this time whether this variant increases cancer risk.

Fulgent Genetics
Classification: Uncertain significance for Familial cancer of breast; Fanconi anemia complementation group N; Pancreatic cancer, susceptibility to, 3. Last evaluated: 2018-10-31. Review status: criteria provided, single submitter. Criteria: ACMG Guidelines, 2015. Collection method: clinical testing. Allele origin: unknown.

GeneDx
Classification: Uncertain significance. Last evaluated: 2014-10-06. Review status: criteria provided, single submitter. Criteria: GeneDx Variant Classification (06012015). Collection method: clinical testing. Allele origin: germline. Affected: yes.
Comment: This variant is denoted PALB2 c.968C>A at the cDNA level, p.Ala323Glu (A323E) at the protein level, and results in the change of an Alanine to a Glutamic Acid (GCA>GAA). This variant has not, to our knowledge, been published in the literature as pathogenic or benign. PALB2 Ala323Glu was not observed in approximately 6,500 individuals of European and African American ancestry in the NHLBI Exome Sequencing Project, indicating it is not a common benign variant in these populations. Since Alanine and Glutamic Acid differ in polarity, charge, size or other properties, this is considered a non-conservative amino acid substitution. PALB2 Ala323Glu occurs at a position that is well conserved through mammals and is located in the DNA-binding region (UniProt). In silico analyses are inconsistent regarding the effect this variant may have on protein structure and function. Based on currently available information, it is unclear whether PALB2 Ala323Glu is pathogenic or benign. We consider it to be a variant of uncertain significance.

Counsyl
Classification: Uncertain significance for Familial cancer of breast. Last evaluated: 2017-11-07. Review status: no assertion criteria provided. Collection method: clinical testing. Allele origin: unknown. Not counted in ClinVar's aggregate classification.